The following is an entry in ClinVar:

ClinVar aggregate classification (germline): Conflicting classifications of pathogenicity. Review status: criteria provided, conflicting classifications (1 of 4 stars). 4 submissions from 4 submitters: Uncertain significance (3); Likely benign (1). Last evaluated 2024-02-26.

Conditions:
Early-onset myopathy with fatal cardiomyopathy (CMYO5). Also called: CONGENITAL MYOPATHY 5 WITH CARDIOMYOPATHY; Salih Myopathy. Identifiers: Orphanet 289377, MedGen C2673677, MONDO:0012714, OMIM 611705. Disease mechanism: loss of function.
Autosomal recessive limb-girdle muscular dystrophy type 2J (LGMDR10). Also called: MUSCULAR DYSTROPHY, LIMB-GIRDLE, AUTOSOMAL RECESSIVE 10; Limb-girdle muscular dystrophy, type 2J. Identifiers: Orphanet 140922, MedGen C1837342, MONDO:0012127, OMIM 608807.
Dilated cardiomyopathy 1G (CMD1G). Identifiers: Orphanet 154, MedGen C1858763, MONDO:0011400, OMIM 604145.
Myopathy, myofibrillar, 9, with early respiratory failure (MFM9). Also called: EDSTROM MYOPATHY; Hereditary myopathy with early respiratory failure; MYOPATHY, PROXIMAL, WITH EARLY RESPIRATORY MUSCLE INVOLVEMENT; Myopathy, distal, with early respiratory failure, autosomal dominant. Identifiers: Orphanet 178464, Orphanet 34521, MedGen C1863599, MONDO:0011362, OMIM 603689.
Tibial muscular dystrophy (TMD). Also called: Tibial muscular dystrophy, tardive; Udd Distal Myopathy – Tibial Muscular Dystrophy; UDD MYOPATHY. Identifiers: Orphanet 609, MedGen C1838244, MONDO:0010870, OMIM 600334.
Hypertrophic cardiomyopathy 9. Also called: Familial hypertrophic cardiomyopathy 9. Identifiers: MedGen C1861065, MONDO:0013412, OMIM 613765.

Allele frequency attached by ClinVar (database versions not stated): ExAC 0.00001; gnomAD 0.00002; TOPMed 0.00002; ESP Exome Variant Server 0.00008.
gnomAD v4.1: 59 of 1,609,932 alleles (0.0037%); highest among the groups gnomAD compares: Non-Finnish European, 0.0047%; no homozygotes.

Submissions (4):

Blueprint Genetics
Classification: Likely benign. Last evaluated: 2024-02-26. Review status: criteria provided, single submitter. Criteria: ACMG Guidelines, 2015. Collection method: clinical testing. Allele origin: germline.

Fulgent Genetics
Classification: Uncertain significance for Tibial muscular dystrophy; Myopathy, myofibrillar, 9, with early respiratory failure; Dilated cardiomyopathy 1G; Autosomal recessive limb-girdle muscular dystrophy type 2J; Early-onset myopathy with fatal cardiomyopathy; Hypertrophic cardiomyopathy 9. Last evaluated: 2021-08-18. Review status: criteria provided, single submitter. Criteria: ACMG Guidelines, 2015. Collection method: clinical testing. Allele origin: unknown.

Eurofins Ntd Llc (ga)
Classification: Uncertain significance. Last evaluated: 2017-11-13. Review status: criteria provided, single submitter. Criteria: EGL Classification Definitions 2015. Collection method: clinical testing. Allele origin: germline. Observed: 1 variant allele, 1 heterozygote.

GeneDx
Classification: Uncertain significance. Last evaluated: 2014-06-26. Review status: criteria provided, single submitter. Criteria: GeneDx Variant Classification (06012015). Collection method: clinical testing. Allele origin: germline. Affected: yes.
Comment: Missense variants in the TTN gene are considered 'unclassified' if they are not previously reported in the literature and do not have >1% frequency in the population to be considered a polymorphism. Research indicates that truncating mutations in the TTN gene are expected to account for approximately 25% of familial and 18% of sporadic idiopathic DCM; however, truncating variants in the TTN gene have been reported in approximately 3% of reported control alleles. There has been little investigation into non-truncating variants. (Herman D et al. Truncations of titin causing dilated cardiomyopathy. N Eng J Med 366:619-628, 2012) The variant is found in CARDIOMYOPATHY panel(s).

NM_133379.5(TTN):c.11179A>G (p.Ile3727Val)

Gene: TTN (titin; minus strand). Cytogenetic location: 2q31.2.
Variant type: single nucleotide variant.
Coding change: c.11179A>G on transcript NM_133379.5; coding-DNA position 11179, A replaced by G.
Protein change: p.Ile3727Val; replaces isoleucine 3727 with valine.
Molecular consequence: missense variant. On other transcripts: intron variant (6).
Genome position (GRCh38, 1-based): chr2:178,751,221, T>C on the plus strand (A>G on the coding strand, the complement: TTN is on the minus strand). VCF-style: chr2-178751221-T-C. GRCh37 (hg19) VCF-style: chr2-179615948-T-C.
Other names: p.I3727V:ATA>GTA; c.10222+1903A>G (NM_003319.4); c.10798+1903A>G (NM_133437.4); c.10597+1903A>G (NM_133432.3); c.10360+1903A>G (NM_133378.4, NM_001256850.1); c.11311+1903A>G (NM_001267550.2); short protein forms I3727V.
Identifiers: ClinVar variation 203183 (VCV000203183.8), dbSNP rs142723709, ClinGen allele CA311608.